The following is an entry in ClinVar:

NM_006269.2(RP1):c.1283C>G (p.Ala428Gly)

Gene: RP1 (RP1 axonemal microtubule associated; plus strand). Cytogenetic location: 8q12.1.
Variant type: single nucleotide variant.
Coding change: c.1283C>G on transcript NM_006269.2 (MANE Select); coding-DNA position 1283, C replaced by G.
Protein change: p.Ala428Gly; replaces alanine 428 with glycine.
Molecular consequence: missense variant. On other transcripts: intron variant (1).
Genome position (GRCh38, 1-based): chr8:54,625,165, C>G. VCF-style: chr8-54625165-C-G. GRCh37 (hg19) VCF-style: chr8-55537725-C-G.
Other names: c.787+2877C>G (NM_001375654.1); short protein forms A428G.
Identifiers: ClinVar variation 1510340 (VCV001510340.8), dbSNP rs762114930, ClinGen allele CA4751346.

ClinVar aggregate classification (germline): Uncertain significance (1 of 4 stars; one submission).

Allele frequency attached by ClinVar (database versions not stated): gnomAD 0.00001; ExAC 0.00002; gnomAD exomes 0.00002.
gnomAD v4.1: 37 of 1,614,044 alleles (0.0023%); highest among the groups gnomAD compares: South Asian, 0.041%; 2 homozygotes.

Submission:

Labcorp Genetics (formerly Invitae), Labcorp
Classification: Uncertain significance. Last evaluated: 2022-06-14. Review status: criteria provided, single submitter. Criteria: Invitae Variant Classification Sherloc (09022015). Collection method: clinical testing. Allele origin: germline.
Comment: This variant has not been reported in the literature in individuals affected with RP1-related conditions. In summary, the available evidence is currently insufficient to determine the role of this variant in disease. Therefore, it has been classified as a Variant of Uncertain Significance. Algorithms developed to predict the effect of sequence changes on RNA splicing suggest that this variant may create or strengthen a splice site. Algorithms developed to predict the effect of missense changes on protein structure and function output the following: SIFT: "Tolerated"; PolyPhen-2: "Benign"; Align-GVGD: "Class C0". The glycine amino acid residue is found in multiple mammalian species, which suggests that this missense change does not adversely affect protein function. This variant is present in population databases (rs762114930, gnomAD 0.02%). This sequence change replaces alanine, which is neutral and non-polar, with glycine, which is neutral and non-polar, at codon 428 of the RP1 protein (p.Ala428Gly).